The following is an entry in ClinVar:

NM_015634.4(KIFBP):c.525+88G>A

Gene: KIFBP (kinesin family binding protein; plus strand). Cytogenetic location: 10q22.1.
Variant type: single nucleotide variant.
Coding change: c.525+88G>A on transcript NM_015634.4 (MANE Select); 88 bases into the intron after coding-DNA position 525, G replaced by A.
Molecular consequence: intron variant.
Genome position (GRCh38, 1-based): chr10:69,000,610, G>A. VCF-style: chr10-69000610-G-A. GRCh37 (hg19) VCF-style: chr10-70760366-G-A.
Identifiers: ClinVar variation 682814 (VCV000682814.1), dbSNP rs2245679, ClinGen allele CA209204723.

ClinVar aggregate classification (germline): Benign (1 of 4 stars; one submission).

Allele frequency attached by ClinVar (database versions not stated): gnomAD exomes 0.05612; 1000 Genomes Project 0.07768; 1000 Genomes Project 30x 0.07901; gnomAD 0.07982 and 0.08122; TOPMed 0.08766.

Submission:

GeneDx
Classification: Benign. Last evaluated: 2018-06-19. Review status: criteria provided, single submitter. Criteria: GeneDx Variant Classification (06012015). Collection method: clinical testing. Allele origin: germline. Affected: yes.
Comment: This variant is considered likely benign or benign based on one or more of the following criteria: it is a conservative change, it occurs at a poorly conserved position in the protein, it is predicted to be benign by multiple in silico algorithms, and/or has population frequency not consistent with disease.